The following is an entry in ClinVar:

ClinVar aggregate classification (germline): Uncertain significance (1 of 4 stars; one submission).

Submission:

GeneDx
Classification: Uncertain significance. Last evaluated: 2021-04-12. Review status: criteria provided, single submitter. Criteria: GeneDx Variant Classification Process June 2021. Collection method: clinical testing. Allele origin: germline. Affected: yes.
Comment: Not observed in large population cohorts (Lek et al., 2016); In silico analysis supports that this missense variant has a deleterious effect on protein structure/function; Has not been previously published as pathogenic or benign to our knowledge

NM_015570.4(AUTS2):c.2801A>C (p.Lys934Thr)

Gene: AUTS2 (activator of transcription and developmental regulator AUTS2; plus strand). Cytogenetic location: 7q11.22.
Variant type: single nucleotide variant.
Coding change: c.2801A>C on transcript NM_015570.4 (MANE Select); coding-DNA position 2801, A replaced by C.
Protein change: p.Lys934Thr; replaces lysine 934 with threonine.
Molecular consequence: missense variant.
Genome position (GRCh38, 1-based): chr7:70,790,017, A>C. VCF-style: chr7-70790017-A-C. GRCh37 (hg19) VCF-style: chr7-70255003-A-C.
Other names: c.2729A>C, p.Lys910Thr (NM_001127231.3); short protein forms K910T, K934T.
Identifiers: ClinVar variation 1314541 (VCV001314541.2), dbSNP rs774580940, ClinGen allele CA367664863.